The following is an entry in ClinVar:

NM_006059.4(LAMC3):c.4530G>T (p.Trp1510Cys)

Gene: LAMC3 (laminin subunit gamma 3; plus strand). Cytogenetic location: 9q34.12.
Variant type: single nucleotide variant.
Coding change: c.4530G>T on transcript NM_006059.4 (MANE Select); coding-DNA position 4530, G replaced by T.
Protein change: p.Trp1510Cys; replaces tryptophan 1510 with cysteine.
Molecular consequence: missense variant.
Genome position (GRCh38, 1-based): chr9:131,091,589, G>T. VCF-style: chr9-131091589-G-T. GRCh37 (hg19) VCF-style: chr9-133966976-G-T.
Other names: short protein forms W1510C.
Identifiers: ClinVar variation 2001400 (VCV002001400.4), dbSNP rs1830427287, ClinGen allele CA375266960.

ClinVar aggregate classification (germline): Uncertain significance (1 of 4 stars; one submission).

Submission:

Labcorp Genetics (formerly Invitae), Labcorp
Classification: Uncertain significance. Last evaluated: 2022-06-09. Review status: criteria provided, single submitter. Criteria: Invitae Variant Classification Sherloc (09022015). Collection method: clinical testing. Allele origin: germline.
Comment: In summary, the available evidence is currently insufficient to determine the role of this variant in disease. Therefore, it has been classified as a Variant of Uncertain Significance. Algorithms developed to predict the effect of missense changes on protein structure and function are either unavailable or do not agree on the potential impact of this missense change (SIFT: "Tolerated"; PolyPhen-2: "Possibly Damaging"; Align-GVGD: "Class C0"). This variant has not been reported in the literature in individuals affected with LAMC3-related conditions. This variant is not present in population databases (gnomAD no frequency). This sequence change replaces tryptophan, which is neutral and slightly polar, with cysteine, which is neutral and slightly polar, at codon 1510 of the LAMC3 protein (p.Trp1510Cys).